The following is an entry in ClinVar:

ClinVar aggregate classification (germline): Benign (1 of 4 stars; one submission).

Conditions:
Leigh syndrome (NULS). Also called: Leigh's necrotizing encephalopathy; Leigh's disease; Leigh Syndrome (mtDNA deletion); Leigh Disease; Subacute necrotizing encephalopathy; Necrotizing encephalopathy infantile subacute of Leigh. Identifiers: Orphanet 506, MedGen C2931891, MONDO:0009723, OMIM 256000.

Submission:

Wong Mito Lab, Molecular and Human Genetics, Baylor College of Medicine
Classification: Benign for Leigh syndrome. Last evaluated: 2019-10-17. Review status: criteria provided, single submitter. Criteria: Modified ACMG Guidelines (Unpublished). Collection method: clinical testing. Allele origin: germline.
Comment: The NC_012920.1:m.4696T>C (YP_003024027.1:p.Phe76Ser) variant in MTND2 gene is interpretated to be a Benign variant based on the modified ACMG guidelines (unpublished). This variant meets the following evidence codes: BS1, BS2, BP4

NC_012920.1(MT-ND2):m.4696T>C

Gene: MT-ND2 (mitochondrially encoded NADH dehydrogenase 2; plus strand).
Variant type: single nucleotide variant.
Genome position: chrM-4696-T-C.
Identifiers: ClinVar variation 692482 (VCV000692482.1), dbSNP rs1603219566, ClinGen allele CA414775360.